The following is an entry in ClinVar:

NM_017613.4(DONSON):c.712G>A (p.Asp238Asn)

Gene: DONSON (DNA replication fork stabilization factor DONSON; minus strand). Cytogenetic location: 21q22.11.
Variant type: single nucleotide variant.
Coding change: c.712G>A on transcript NM_017613.4 (MANE Select); coding-DNA position 712, G replaced by A.
Protein change: p.Asp238Asn; replaces aspartic acid 238 with asparagine.
Molecular consequence: missense variant.
Genome position (GRCh38, 1-based): chr21:33,584,663, C>T on the plus strand (G>A on the coding strand, the complement: DONSON is on the minus strand). VCF-style: chr21-33584663-C-T. GRCh37 (hg19) VCF-style: chr21-34956969-C-T.
Other names: short protein forms D238N.
Identifiers: ClinVar variation 2052540 (VCV002052540.4), dbSNP rs2517477484, ClinGen allele CA410139008.

ClinVar aggregate classification (germline): Uncertain significance (1 of 4 stars; one submission).

Allele frequency attached by ClinVar (database versions not stated): gnomAD exomes below 0.00001.

Submission:

Labcorp Genetics (formerly Invitae), Labcorp
Classification: Uncertain significance. Last evaluated: 2022-01-17. Review status: criteria provided, single submitter. Criteria: Invitae Variant Classification Sherloc (09022015). Collection method: clinical testing. Allele origin: germline.
Comment: This variant is not present in population databases (gnomAD no frequency). This variant has not been reported in the literature in individuals affected with DONSON-related conditions. Algorithms developed to predict the effect of missense changes on protein structure and function are either unavailable or do not agree on the potential impact of this missense change (SIFT: "Tolerated"; PolyPhen-2: "Probably Damaging"; Align-GVGD: "Class C0"). In summary, the available evidence is currently insufficient to determine the role of this variant in disease. Therefore, it has been classified as a Variant of Uncertain Significance. This sequence change replaces aspartic acid, which is acidic and polar, with asparagine, which is neutral and polar, at codon 238 of the DONSON protein (p.Asp238Asn).